The following is an entry in ClinVar:

ClinVar aggregate classification (germline): Uncertain significance (1 of 4 stars; one submission).

gnomAD v4.1: 2 of 1,466,164 alleles (0.00014%); highest among the groups gnomAD compares: African/African-American, 0.0031%; no homozygotes.

Submission:

Ambry Genetics
Classification: Uncertain significance. Last evaluated: 2025-09-17. Review status: criteria provided, single submitter. Criteria: Ambry Variant Classification Scheme 2023. Collection method: clinical testing. Allele origin: germline.
Comment: The p.I123L variant (also known as c.367A>C), located in coding exon 4 of the RAD51B gene, results from an A to C substitution at nucleotide position 367. The isoleucine at codon 123 is replaced by leucine, an amino acid with highly similar properties. This amino acid position is conserved. In addition, this alteration is predicted to be tolerated by in silico analysis. Based on the available evidence, the clinical significance of this variant remains unclear.

NM_133510.4(RAD51B):c.367A>C (p.Ile123Leu)

Gene: RAD51B (RAD51 paralog B; plus strand). Cytogenetic location: 14q24.1.
Variant type: single nucleotide variant.
Coding change: c.367A>C on transcript NM_133510.4 (MANE Select); coding-DNA position 367, A replaced by C.
Protein change: p.Ile123Leu; replaces isoleucine 123 with leucine.
Molecular consequence: missense variant.
Genome position (GRCh38, 1-based): chr14:67,865,054, A>C. VCF-style: chr14-67865054-A-C. GRCh37 (hg19) VCF-style: chr14-68331771-A-C.
Other names: c.367A>C, p.Ile123Leu (NM_001321809.2, NM_001321810.2, NM_001321812.1 and 6 more transcripts); c.253A>C, p.Ile85Leu (NM_001321815.1); c.10A>C, p.Ile4Leu (NM_001321817.2); short protein forms I4L, I123L, I85L.
Identifiers: ClinVar variation 4575275 (VCV004575275.1).